The following is an entry in ClinVar:

ClinVar aggregate classification (germline): Likely benign. Review status: criteria provided, multiple submitters, no conflicts (2 of 4 stars). 3 submissions from 3 submitters: Likely benign (2). 1 of the submissions does not count toward it. Last evaluated 2026-03-12.

Conditions:
Usher syndrome type 1F (USH1F). Also called: USHER SYNDROME, TYPE IF. Identifiers: Orphanet 231169, Orphanet 886, MedGen C1865885, MONDO:0011186, OMIM 602083.
PCDH15-related disorder. Also called: PCDH15-related condition; PCDH15-related disorders.

Allele frequency attached by ClinVar (database versions not stated): ExAC 0.00007; gnomAD 0.00002; TOPMed 0.00003.
gnomAD v4.1: 56 of 1,613,592 alleles (0.0035%); highest among the groups gnomAD compares: South Asian, 0.026%; no homozygotes.

Submissions (3):

PreventionGenetics, part of Exact Sciences
Classification: Likely benign for PCDH15-related condition. Last evaluated: 2026-03-12. Review status: criteria provided, single submitter. Criteria: ACMG Guidelines, 2015. Collection method: clinical testing. Allele origin: germline.
Comment: This variant is classified as likely benign based on ACMG/AMP sequence variant interpretation guidelines (Richards et al. 2015 PMID: 25741868, with internal and published modifications).

Labcorp Genetics (formerly Invitae), Labcorp
Classification: Likely benign. Last evaluated: 2025-12-17. Review status: criteria provided, single submitter. Criteria: Invitae Variant Classification Sherloc (09022015). Collection method: clinical testing. Allele origin: germline.

Natera, Inc.
Classification: Uncertain significance for Usher syndrome type 1F. Last evaluated: 2020-07-20. Review status: no assertion criteria provided. Collection method: clinical testing. Allele origin: germline. Not counted in ClinVar's aggregate classification.

NM_033056.4(PCDH15):c.5178C>T (p.Thr1726=)

Gene: PCDH15 (protocadherin related 15; minus strand). Cytogenetic location: 10q21.1.
Variant type: single nucleotide variant.
Coding change: c.5178C>T on transcript NM_033056.4 (MANE Plus Clinical); coding-DNA position 5178, C replaced by T.
Protein change: p.Thr1726=; no amino-acid change (threonine 1726 retained).
Molecular consequence: synonymous variant. On other transcripts: intron variant (8).
Genome position (GRCh38, 1-based): chr10:53,822,548, G>A on the plus strand (C>T on the coding strand, the complement: PCDH15 is on the minus strand). VCF-style: chr10-53822548-G-A. GRCh37 (hg19) VCF-style: chr10-55582308-G-A.
Other names: c.4368-4535C>T (NM_001354429.2); c.4368-2318C>T (NM_001384140.1); c.4373+2588C>T (NM_001142772.2, NM_001142770.3); c.4388+2588C>T (NM_001142771.2); c.4388+4845C>T (NM_001354411.2); c.4409+2588C>T (NM_001142769.3); c.5199C>T, p.Thr1733= (NM_001142763.2); c.5184C>T, p.Thr1728= (NM_001142764.2); and 8 more.
Identifiers: ClinVar variation 989774 (VCV000989774.10), dbSNP rs760796538, ClinGen allele CA5505112.
Genomic context (GRCh38, chr10:53,822,548, plus strand): 5'-GGGACAGGCAGAAGGAGAGATGTTTGGTGGATGGGCAAAATTTTCAAAAATATTTCTTTC[G>A]GTTTCAATAGGTAACATACAAATAGGTGTCTCTCTCCTAGAGAGTGAAGAATGTAAAACA-3'
Protein context (NP_149045.3, residues 1716-1736): ETPICMLPIE[Thr1726=]ERNIFENFAH